The following is an entry in ClinVar:

NM_130398.4(EXO1):c.1765G>A (p.Glu589Lys)

Gene: EXO1 (exonuclease 1; plus strand). Cytogenetic location: 1q43.
Variant type: single nucleotide variant.
Coding change: c.1765G>A on transcript NM_130398.4 (MANE Select); coding-DNA position 1765, G replaced by A.
Protein change: p.Glu589Lys; replaces glutamic acid 589 with lysine.
Molecular consequence: missense variant.
Genome position (GRCh38, 1-based): chr1:241,878,999, G>A. VCF-style: chr1-241878999-G-A. GRCh37 (hg19) VCF-style: chr1-242042301-G-A.
Other names: c.1762G>A, p.Glu588Lys (NM_001319224.2); c.1765G>A, p.Glu589Lys (NM_003686.4, NM_006027.4); short protein forms E588K, E589K.
Identifiers: ClinVar variation 3059609 (VCV003059609.3), dbSNP rs1047840, ClinGen allele CA1481437.

ClinVar aggregate classification (germline): Benign. Review status: criteria provided, single submitter (1 of 4 stars). 2 submissions from 2 submitters: Benign (1). 1 of the submissions does not count toward it. Last evaluated 2024-11-26.

Conditions:
EXO1-related disorder. Also called: EXO1-related condition.

Allele frequency attached by ClinVar (database versions not stated): 1000 Genomes Project 0.35164; 1000 Genomes Project 30x 0.36040; ExAC 0.36100; gnomAD exomes 0.37414; TOPMed 0.39837; gnomAD 0.40010; ESP Exome Variant Server 0.40873.
gnomAD v4.1: 607,540 of 1,613,610 alleles (38%); highest among the groups gnomAD compares: African/African-American, 47%; 116,572 homozygotes.

Submissions (2):

Blueprint Genetics
Classification: Benign. Last evaluated: 2024-11-26. Review status: criteria provided, single submitter. Criteria: ACMG Guidelines, 2015. Collection method: clinical testing. Allele origin: germline.

PreventionGenetics, part of Exact Sciences
Classification: Benign for EXO1-related condition. Last evaluated: 2019-10-18. Review status: no assertion criteria provided. Collection method: clinical testing. Allele origin: germline. Not counted in ClinVar's aggregate classification.
Comment: This variant is classified as benign based on ACMG/AMP sequence variant interpretation guidelines (Richards et al. 2015 PMID: 25741868, with internal and published modifications).